The following is an entry in ClinVar:

ClinVar aggregate classification (germline): Benign (1 of 4 stars; one submission).

Allele frequency attached by ClinVar (database versions not stated): gnomAD exomes 0.00018; gnomAD 0.00020; TOPMed 0.00025; ExAC 0.00028; 1000 Genomes Project 30x 0.00125; 1000 Genomes Project 0.00160.
gnomAD v4.1: 286 of 1,613,004 alleles (0.018%); highest among the groups gnomAD compares: East Asian, 0.6%; no homozygotes.

Submission:

CeGaT Center for Human Genetics Tuebingen
Classification: Benign. Last evaluated: 2022-04-01. Review status: criteria provided, single submitter. Criteria: CeGaT Center For Human Genetics Tuebingen Variant Classification Criteria Version 2. Collection method: clinical testing. Allele origin: germline. Affected: yes. Observed: 1 variant allele.
Comment: ZEB1: BS1, BS2

NM_001174096.2(ZEB1):c.242A>G (p.Asn81Ser)

Gene: ZEB1 (zinc finger E-box binding homeobox 1; plus strand). Cytogenetic location: 10p11.22.
Variant type: single nucleotide variant.
Coding change: c.242A>G on transcript NM_001174096.2 (MANE Select); coding-DNA position 242, A replaced by G.
Protein change: p.Asn81Ser; replaces asparagine 81 with serine.
Molecular consequence: missense variant. On other transcripts: 5 prime UTR variant (28), intron variant (3).
Genome position (GRCh38, 1-based): chr10:31,461,220, A>G. VCF-style: chr10-31461220-A-G. GRCh37 (hg19) VCF-style: chr10-31750149-A-G.
Other names: c.191A>G, p.Asn64Ser (NM_001128128.3, NM_001174094.2, NM_001323678.2); c.242A>G, p.Asn81Ser (NM_001174093.2, NM_001323674.2, NM_030751.6); c.-416A>G (NM_001323638.2, NM_001323642.2, NM_001323643.2 and 10 more transcripts); c.-413A>G (NM_001323641.2, NM_001323645.2, NM_001323647.2 and 10 more transcripts); c.-353A>G (NM_001323648.2, NM_001323666.2); c.200A>G, p.Asn67Ser (NM_001323675.2, NM_001323676.2, NM_001323677.2); c.-395-34559A>G (NM_001323644.2); c.59-34559A>G (NM_001174095.2); and 1 more; short protein forms N64S, N67S, N81S.
Identifiers: ClinVar variation 2640396 (VCV002640396.24), dbSNP rs189276857, ClinGen allele CA5461411.